The following is an entry in ClinVar:

NM_004187.5(KDM5C):c.1439C>T (p.Pro480Leu)

Gene: KDM5C (lysine demethylase 5C; minus strand). Cytogenetic location: Xp11.22.
Variant type: single nucleotide variant.
Coding change: c.1439C>T on transcript NM_004187.5 (MANE Select); coding-DNA position 1439, C replaced by T.
Protein change: p.Pro480Leu; replaces proline 480 with leucine.
Molecular consequence: missense variant. On other transcripts: non-coding transcript variant (3).
Genome position (GRCh38, 1-based): chrX:53,210,820, G>A on the plus strand (C>T on the coding strand, the complement: KDM5C is on the minus strand). VCF-style: chrX-53210820-G-A. GRCh37 (hg19) VCF-style: chrX-53240002-G-A.
Other names: c.1238C>T, p.Pro413Leu (NM_001146702.2); c.1436C>T, p.Pro479Leu (NM_001282622.3, NM_001353979.2, NM_001353982.2); c.1439C>T, p.Pro480Leu (NM_001353978.3, NM_001353981.2, NM_001353984.2); short protein forms P480L, P413L, P479L.
Identifiers: ClinVar variation 374324 (VCV000374324.39), dbSNP rs1057518697, ClinGen allele CA16043710.

ClinVar aggregate classification (germline): Pathogenic. Review status: criteria provided, multiple submitters, no conflicts (2 of 4 stars). 7 submissions from 7 submitters: Pathogenic (6). 1 of the submissions does not count toward it. Last evaluated 2024-09-12.

Conditions:
Intellectual developmental disorder, X-linked, syndromic, Claes-Jensen type. Also called: INTELLECTUAL DEVELOPMENTAL DISORDER, X-LINKED, SYNDROMIC 16; MENTAL RETARDATION, X-LINKED, SYNDROMIC 16; Syndromic X-linked intellectual disability Claes-Jensen type. Identifiers: Orphanet 85279, MedGen C1845243, MONDO:0010355, OMIM 300534.
KDM5C-related disorder. Also called: KDM5C-related condition.
Spastic paraplegia. Identifiers: MedGen C0037772, HP:0001258.

Allele frequency attached by ClinVar (database versions not stated): gnomAD exomes below 0.00001.
gnomAD v4.1: 1 of 1,211,376 alleles (0.000083%); highest among the groups gnomAD compares: Non-Finnish European, 0.00011%; no homozygotes.

Submissions (7):

Blueprint Genetics
Classification: Pathogenic for KDM5C-related disorders. Last evaluated: 2024-09-12. Review status: criteria provided, single submitter. Criteria: ACMG Guidelines, 2015. Collection method: clinical testing. Allele origin: germline. Affected: yes. Observed: 1 variant allele.

CeGaT Center for Human Genetics Tuebingen
Classification: Pathogenic. Last evaluated: 2023-12-01. Review status: criteria provided, single submitter. Criteria: CeGaT Center For Human Genetics Tuebingen Variant Classification Criteria Version 2. Collection method: clinical testing. Allele origin: germline. Affected: yes. Observed: 1 variant allele.
Comment: KDM5C: PS2, PM2, PS4:Moderate, PP2, PP3, PS3:Supporting

Department of Genetics, Rouen University Hospital, Normandy Center for Genomic and Personalized Medicine
Classification: Pathogenic for Intellectual developmental disorder, X-linked, syndromic, Claes-Jensen type. Last evaluated: 2022-05-10. Review status: criteria provided, single submitter. Criteria: ACMG Guidelines, 2015. Collection method: clinical testing. Allele origin: de novo. Affected: yes.

Women's Health and Genetics/Laboratory Corporation of America, LabCorp
Classification: Pathogenic for Intellectual developmental disorder, X-linked, syndromic, Claes-Jensen type. Last evaluated: 2022-05-05. Review status: criteria provided, single submitter. Criteria: LabCorp Variant Classification Summary - May 2015. Collection method: clinical testing. Allele origin: germline.
Comment: Variant summary: KDM5C c.1439C>T (p.Pro480Leu) results in a non-conservative amino acid change in the encoded protein sequence. Five of five in-silico tools predict a damaging effect of the variant on protein function. The variant was absent in 183427 control chromosomes. c.1439C>T has been reported in the literature in individuals affected with Mental Retardation, Syndromic, Claes-Jensen Type, X-Linked. These data indicate that the variant is likely to be associated with disease. At least one publication reports experimental evidence evaluating an impact on protein function and showed that p.P480L leads to reduced stability and enzymatic activity (Brookes_2015). Two clinical diagnostic laboratories have submitted clinical-significance assessments for this variant to ClinVar after 2014 without evidence for independent evaluation. Both laboratories classified the variant as pathogenic. Based on the evidence outlined above, the variant was classified as pathogenic.

GeneDx
Classification: Pathogenic. Last evaluated: 2021-10-22. Review status: criteria provided, single submitter. Criteria: GeneDx Variant Classification Process June 2021. Collection method: clinical testing. Allele origin: germline. Affected: yes.
Comment: Published functional studies demonstrate a damaging effect, including reduced protein stability and demethylase activity (Brookes et al., 2015); Not observed in large population cohorts (gnomAD); In silico analysis supports that this missense variant has a deleterious effect on protein structure/function; This variant is associated with the following publications: (PMID: 23356856, 27959697, 25666757, 29456765, 25666439)

Labcorp Genetics (formerly Invitae), Labcorp
Classification: Pathogenic for Spastic paraplegia. Last evaluated: 2018-10-07. Review status: criteria provided, single submitter. Criteria: Invitae Variant Classification Sherloc (09022015). Collection method: clinical testing. Allele origin: germline.
Comment: This variant has been observed to be de novo in both males and females affected with syndromic intellectual disability (PMID: 25666757, 27959697). It has also been observed to segregate with disease in related individuals (PMID: 23356856). ClinVar contains an entry for this variant (Variation ID: 374324). Experimental studies have shown that this missense disrupts KDM5C protein function (PMID: 25666439). For these reasons, this variant has been classified as Pathogenic. This variant is not present in population databases (ExAC no frequency). This sequence change replaces proline with leucine at codon 480 of the KDM5C protein (p.Pro480Leu). The proline residue is highly conserved and there is a moderate physicochemical difference between proline and leucine.

Baylor Genetics
Classification: Likely pathogenic for Intellectual developmental disorder, X-linked, syndromic, Claes-Jensen type. Last evaluated: 2014-06-19. Review status: no assertion criteria provided. Collection method: clinical testing. Allele origin: de novo. Inheritance: X-linked inheritance. Affected: yes. Observed: 1 variant allele, 1 hemizygote. Not counted in ClinVar's aggregate classification.
Comment: This change has been recently in two brothers affected with X-linked intellectual disability [PMID: 23356856].

Literature cited by the submitters: PubMed 29304373 (cited by Women's Health and Genetics/Laboratory Corporation of America, LabCorp); PubMed 25666439 (cited by Women's Health and Genetics/Laboratory Corporation of America, LabCorp and Labcorp Genetics (formerly Invitae), Labcorp); PubMed 25666757 (cited by Labcorp Genetics (formerly Invitae), Labcorp); PubMed 27959697 (cited by Labcorp Genetics (formerly Invitae), Labcorp); PubMed 23356856 (cited by Labcorp Genetics (formerly Invitae), Labcorp and Baylor Genetics).